The following is an entry in ClinVar:

NM_005422.4(TECTA):c.3123G>C (p.Glu1041Asp)

Genes: TBCEL-TECTA (TBCEL-TECTA readthrough; plus strand), TECTA (tectorin alpha; plus strand). Cytogenetic location: 11q23.3.
Variant type: single nucleotide variant.
Coding change: c.3123G>C on transcript NM_005422.4 (MANE Select); coding-DNA position 3123, G replaced by C.
Protein change: p.Glu1041Asp; replaces glutamic acid 1041 with aspartic acid.
Molecular consequence: missense variant.
Genome position (GRCh38, 1-based): chr11:121,137,602, G>C. VCF-style: chr11-121137602-G-C. GRCh37 (hg19) VCF-style: chr11-121008311-G-C.
Other names: c.4080G>C, p.Glu1360Asp (NM_001378761.1); short protein forms E1360D, E1041D.
Identifiers: ClinVar variation 4709903 (VCV004709903.1).

ClinVar aggregate classification (germline): Uncertain significance (1 of 4 stars; one submission).

gnomAD v4.1: 51 of 1,613,860 alleles (0.0032%); highest among the groups gnomAD compares: Non-Finnish European, 0.0042%; no homozygotes.

Submission:

Labcorp Genetics (formerly Invitae), Labcorp
Classification: Uncertain significance. Last evaluated: 2025-05-26. Review status: criteria provided, single submitter. Criteria: Invitae Variant Classification Sherloc (09022015). Collection method: clinical testing. Allele origin: germline.
Comment: This sequence change replaces glutamic acid, which is acidic and polar, with aspartic acid, which is acidic and polar, at codon 1041 of the TECTA protein (p.Glu1041Asp). This variant is present in population databases (rs751887703, gnomAD 0.004%). This missense change has been observed in individual(s) with TECTA-related conditions (PMID: 24356988). Invitae Evidence Modeling of protein sequence and biophysical properties (such as structural, functional, and spatial information, amino acid conservation, physicochemical variation, residue mobility, and thermodynamic stability) indicates that this missense variant is not expected to disrupt TECTA protein function with a negative predictive value of 95%. In summary, the available evidence is currently insufficient to determine the role of this variant in disease. Therefore, it has been classified as a Variant of Uncertain Significance.

Literature cited by the submitters: PubMed 24356988.